The following is an entry in ClinVar:

ClinVar aggregate classification (germline): Pathogenic (1 of 4 stars; one submission).

Submission:

Labcorp Genetics (formerly Invitae), Labcorp
Classification: Pathogenic. Last evaluated: 2021-01-29. Review status: criteria provided, single submitter. Criteria: Invitae Variant Classification Sherloc (09022015). Collection method: clinical testing. Allele origin: germline.
Comment: For these reasons, this variant has been classified as Pathogenic. This variant has not been reported in the literature in individuals with CTSK-related conditions. This variant is not present in population databases (ExAC no frequency). This sequence change creates a premature translational stop signal (p.Glu85*) in the CTSK gene. It is expected to result in an absent or disrupted protein product. Loss-of-function variants in CTSK are known to be pathogenic (PMID: 12125807, 21569238).

Literature cited by the submitters: PubMed 12125807; PubMed 21569238.

NM_000396.4(CTSK):c.253G>T (p.Glu85Ter)

Gene: CTSK (cathepsin K; minus strand). Cytogenetic location: 1q21.3.
Variant type: single nucleotide variant.
Coding change: c.253G>T on transcript NM_000396.4 (MANE Select); coding-DNA position 253, G replaced by T.
Protein change: p.Glu85Ter; replaces glutamic acid 85 with a stop codon.
Molecular consequence: nonsense.
Genome position (GRCh38, 1-based): chr1:150,806,007, C>A on the plus strand (G>T on the coding strand, the complement: CTSK is on the minus strand). VCF-style: chr1-150806007-C-A. GRCh37 (hg19) VCF-style: chr1-150778483-C-A.
Other names: short protein forms E85*.
Identifiers: ClinVar variation 1382279 (VCV001382279.6), dbSNP rs2101953352, ClinGen allele CA342337140.